The following is an entry in ClinVar:

NM_014476.6(PDLIM3):c.667C>A (p.Pro223Thr)

Gene: PDLIM3 (PDZ and LIM domain 3; minus strand). Cytogenetic location: 4q35.1.
Variant type: single nucleotide variant.
Coding change: c.667C>A on transcript NM_014476.6 (MANE Select); coding-DNA position 667, C replaced by A.
Protein change: p.Pro223Thr; replaces proline 223 with threonine.
Molecular consequence: missense variant. On other transcripts: non-coding transcript variant (1).
Genome position (GRCh38, 1-based): chr4:185,506,648, G>T on the plus strand (C>A on the coding strand, the complement: PDLIM3 is on the minus strand). VCF-style: chr4-185506648-G-T. GRCh37 (hg19) VCF-style: chr4-186427802-G-T.
Other names: c.523C>A, p.Pro175Thr (NM_001114107.5); c.403C>A, p.Pro135Thr (NM_001257962.2); c.166C>A, p.Pro56Thr (NM_001257963.2); short protein forms P223T, P135T, P175T, P56T.
Identifiers: ClinVar variation 1466411 (VCV001466411.8), dbSNP rs2095697972, ClinGen allele CA358923162.
Genomic context (GRCh38, chr4:185,506,648, plus strand): 5'-CATTCCGATTGTCGTGGAGCATCCGGTACACGTCCGACTCGGGGGGCACCGAGGCTGTGG[G>T]CTCGCTGAAACACAGGCACGGCGGGGAGCATCGTCAGGTGCTGGGAGGCACCAGACGTGC-3'
Protein context (NP_055291.2, residues 213-233): ALGETPLMSE[Pro223Thr]TASVPPESDV

ClinVar aggregate classification (germline): Uncertain significance (1 of 4 stars; one submission).

Conditions:
Primary dilated cardiomyopathy (DCM). Also called: Dilated Cardiomyopathy. Identifiers: Orphanet 217604, MedGen C0007193, MeSH D002311, MONDO:0005021, HP:0001644. Inheritance: Various modes of inheritance.
Hypertrophic cardiomyopathy. Also called: HYPERTROPHIC MYOCARDIOPATHY. Identifiers: Orphanet 217569, MedGen C0007194, MeSH D002312, MONDO:0005045, HP:0001639.

Allele frequency attached by ClinVar (database versions not stated): TOPMed 0.00001.

Submission:

Labcorp Genetics (formerly Invitae), Labcorp
Classification: Uncertain significance for Hypertrophic cardiomyopathy; Primary dilated cardiomyopathy. Last evaluated: 2020-12-03. Review status: criteria provided, single submitter. Criteria: Invitae Variant Classification Sherloc (09022015). Collection method: clinical testing. Allele origin: germline.
Comment: In summary, the available evidence is currently insufficient to determine the role of this variant in disease. Therefore, it has been classified as a Variant of Uncertain Significance. Algorithms developed to predict the effect of missense changes on protein structure and function are either unavailable or do not agree on the potential impact of this missense change (SIFT: "Deleterious"; PolyPhen-2: "Benign"; Align-GVGD: "Class C0"). This variant has not been reported in the literature in individuals with PDLIM3-related conditions. This variant is not present in population databases (ExAC no frequency). This sequence change replaces proline with threonine at codon 223 of the PDLIM3 protein (p.Pro223Thr). The proline residue is highly conserved and there is a small physicochemical difference between proline and threonine.